The following is an entry in ClinVar:

NM_000170.3(GLDC):c.1402-1G>C

Gene: GLDC (glycine decarboxylase; minus strand). Cytogenetic location: 9p24.1.
Variant type: single nucleotide variant.
Coding change: c.1402-1G>C on transcript NM_000170.3 (MANE Select); the canonical splice acceptor site of the intron before coding-DNA position 1402, G replaced by C.
Molecular consequence: splice acceptor variant.
Genome position (GRCh38, 1-based): chr9:6,592,224, C>G on the plus strand (G>C on the coding strand, the complement: GLDC is on the minus strand). VCF-style: chr9-6592224-C-G. GRCh37 (hg19) VCF-style: chr9-6592224-C-G.
Identifiers: ClinVar variation 56044 (VCV000056044.3), dbSNP rs386833525, ClinGen allele CA263297.
Genomic context (GRCh38, chr9:6,592,224, plus strand): 5'-GATCCACAACAAATCGTCCAGATCTTTTTCATTGACTGTTTCATCAAGAGAAATACCAAG[C>G]TACAGAAACACAAACAAAATGGAAAACATCAACTCTAAACTCCACATCACTGGAGGAATC-3'

ClinVar aggregate classification (germline): Likely pathogenic. Review status: criteria provided, single submitter (1 of 4 stars). 2 submissions from 2 submitters: Likely pathogenic (1). 1 of the submissions does not count toward it. Last evaluated 2024-02-10.

Conditions:
Glycine encephalopathy 1 (GCE1). Identifiers: MedGen CN376801, MONDO:0958179, OMIM 605899.
Glycine encephalopathy. Also called: Nonketotic hyperglycinemia; Non-ketotic hyperglycinemia. Identifiers: Orphanet 407, MedGen C0751748, MONDO:0011612, HP:0008288.

Allele frequency attached by ClinVar (database versions not stated): gnomAD exomes below 0.00001.
gnomAD v4.1: 1 of 1,578,878 alleles (0.000063%); highest among the groups gnomAD compares: Non-Finnish European, 0.000087%; no homozygotes.

Submissions (2):

Fulgent Genetics
Classification: Likely pathogenic for Glycine encephalopathy 1. Last evaluated: 2024-02-10. Review status: criteria provided, single submitter. Criteria: ACMG Guidelines, 2015. Collection method: clinical testing. Allele origin: germline.

Juha Muilu Group; Institute for Molecular Medicine Finland (FIMM)
Classification: Likely pathogenic for Non-ketotic hyperglycinemia. Review status: no assertion criteria provided. Collection method: not provided. Allele origin: unknown. Not counted in ClinVar's aggregate classification.
Comment: FinDis database variant: This variant was not found or characterized by our laboratory, data were collected from public sources: see reference
ClinVar note: Converted during submission from probable-pathogenic to Likely pathogenic.